The following is an entry in ClinVar:

NM_024685.4(BBS10):c.185A>G (p.His62Arg)

Gene: BBS10 (Bardet-Biedl syndrome 10; minus strand). Cytogenetic location: 12q21.2.
Variant type: single nucleotide variant.
Coding change: c.185A>G on transcript NM_024685.4 (MANE Select); coding-DNA position 185, A replaced by G.
Protein change: p.His62Arg; replaces histidine 62 with arginine.
Molecular consequence: missense variant.
Genome position (GRCh38, 1-based): chr12:76,348,174, T>C on the plus strand (A>G on the coding strand, the complement: BBS10 is on the minus strand). VCF-style: chr12-76348174-T-C. GRCh37 (hg19) VCF-style: chr12-76741954-T-C.
Other names: short protein forms H62R.
Identifiers: ClinVar variation 4816159 (VCV004816159.1).
Genomic context (GRCh38, chr12:76,348,174, plus strand): 5'-GGCTGCCTGGGGTGCCCGGCTACGGGTTAGCGTGTGGGACGCGGGTACCTGGCTATGGGA[T>C]GCTCTAAGTGTAGCGCCTCCAGGAGGCGGCCTCCATTCCGGCTGAGAAGCACCTCGCCAG-3'
Protein context (NP_078961.3, residues 52-72): GRLLEALHLE[His62Arg]PIARMIVDCV

ClinVar aggregate classification (germline): Likely pathogenic (1 of 4 stars; one submission).

Conditions:
Bardet-Biedl syndrome 10 (BBS10). Identifiers: Orphanet 110, MedGen C1859568, MONDO:0014438, OMIM 615987.

gnomAD v4.1: 2 of 1,610,564 alleles (0.00012%); highest among the groups gnomAD compares: Non-Finnish European, 0.00017%; no homozygotes.

Submission:

Natera, Inc.
Classification: Likely pathogenic for Bardet-Biedl syndrome type 10. Last evaluated: 2025-04-30. Review status: criteria provided, single submitter. Criteria: Natera Variant Classification Schema (03/2026). Collection method: clinical testing. Allele origin: germline.
Comment: The c.185A>G variant in BBS10 is a missense variant predicted to cause substitution of histidine to arginine at amino acid 62. This variant is rare in the general population with a frequency below the threshold expected for the associated phenotype(s). This variant has been observed in one or more individuals affected with the associated recessive disease, as either homozygous or compound heterozygous with a second variant (PMID: 20805367). Computational prediction algorithms indicate this variant is likely to affect gene or protein function. Given the available evidence, this variant is classified as Likely Pathogenic.

Literature cited by the submitters: PubMed 20805367.